The following is an entry in ClinVar:

ClinVar aggregate classification (germline): Pathogenic (1 of 4 stars; one submission).

Submission:

Quest Diagnostics Nichols Institute San Juan Capistrano
Classification: Pathogenic. Last evaluated: 2024-08-27. Review status: criteria provided, single submitter. Criteria: ACMG/ClinGen CNV Guidelines, 2019. Collection method: clinical testing. Allele origin: unknown.
Comment: This 12q15q21.1 copy number loss involves at least 31 protein-coding genes. Heterozygous deletions both overlapping with and fully contained within the current interval have been reported in individuals with various phenotypes (Alesi 2017, D’Angelo 2013, Lopez 2012, Uehara 2019, Vergult 2011). Additionally, heterozygous partial and intragenic deletions as well as sequence variants of CNOT2 are associated with autosomal dominant intellectual developmental disorder with nasal speech, dysmorphic facies, and variable skeletal anomalies (OMIM 618608). There are no similar copy number losses of this region in the general populations of the Database of Genomic Variants. Therefore, this copy number variant (CNV) is classified as pathogenic. References: Alesi et al., Eur J Med Genet. 2017 Apr;60(4):220-223. PMID: 28159701 D’Angelo et al., Am J Med Genet A. 2013 Mar;161A(3):479-86. PMID: 23401328 Lopez et al., Am J Med Genet A. 2012 Feb;158A(2):333-9. PMID: 22247066 Uehara et al., Am J Med Genet A. 2019 Apr;179(4):659-662. PMID: 30768759 Vergult et al., Eur J Hum Genet. 2011 Oct;19(10):1032-7. PMID: 21505450

GRCh37/hg19 12q15-21.1(chr12:68168330-72795051)x1

Genes: BEST3 (bestrophin 3; minus strand), CCT2 (chaperonin containing TCP1 subunit 2; plus strand), CNOT2 (CCR4-NOT transcription complex subunit 2; plus strand), CPM (carboxypeptidase M; minus strand), CPSF6 (cleavage and polyadenylation specific factor 6; plus strand) and 26 more. Cytogenetic location: 12q15-21.1.
Variant type: copy number loss.
Change: copy number 1 (one copy instead of two) of chr12:68,168,330-72,795,051 (4.63 Mb, GRCh37 coordinates, 1-based), cytogenetic band 12q15-21.1.
Identifiers: ClinVar variation 4682805 (VCV004682805.1).